The following is an entry in ClinVar:

ClinVar aggregate classification (germline): Uncertain significance (1 of 4 stars; one submission).

Conditions:
Cardiovascular phenotype. Identifiers: MedGen CN230736.

Submission:

Ambry Genetics
Classification: Uncertain significance for Cardiovascular phenotype. Last evaluated: 2025-11-25. Review status: criteria provided, single submitter. Criteria: Ambry Variant Classification Scheme 2023. Collection method: clinical testing. Allele origin: germline.
Comment: The p.G570S variant (also known as c.1708G>A), located in coding exon 11 of the CBL gene, results from a G to A substitution at nucleotide position 1708. The glycine at codon 570 is replaced by serine, an amino acid with similar properties. This amino acid position is conserved. In addition, this alteration is predicted to be tolerated by in silico analysis. Based on the available evidence, the clinical significance of this variant remains unclear.

NM_005188.4(CBL):c.1708G>A (p.Gly570Ser)

Gene: CBL (Cbl proto-oncogene; plus strand). Cytogenetic location: 11q23.3.
Variant type: single nucleotide variant.
Coding change: c.1708G>A on transcript NM_005188.4 (MANE Select); coding-DNA position 1708, G replaced by A.
Protein change: p.Gly570Ser; replaces glycine 570 with serine.
Molecular consequence: missense variant.
Genome position (GRCh38, 1-based): chr11:119,285,333, G>A. VCF-style: chr11-119285333-G-A. GRCh37 (hg19) VCF-style: chr11-119156043-G-A.
Other names: short protein forms G570S.
Identifiers: ClinVar variation 4613884 (VCV004613884.1).